The following is an entry in ClinVar:

ClinVar aggregate classification (germline): Uncertain significance. Review status: criteria provided, multiple submitters, no conflicts (2 of 4 stars). 4 submissions from 4 submitters: Uncertain significance (3). 1 of the submissions does not count toward it. Last evaluated 2025-10-07.

Conditions:
Autosomal recessive osteopetrosis 1. Also called: ALBERS-SCHONBERG DISEASE, AUTOSOMAL RECESSIVE; TCIRG1-Related Osteopetrosis; TCIRG1-Related Autosomal Recessive Osteopetrosis. Identifiers: Orphanet 667, MedGen C1850127, MONDO:0009815, OMIM 259700.
Decreased total neutrophil count. Also called: Neutropenia. Identifiers: MedGen C0853697, MONDO:0001475, HP:0001875.

Allele frequency attached by ClinVar (database versions not stated): gnomAD exomes below 0.00001 and 0.00001; gnomAD 0.00001; TOPMed 0.00001; ExAC 0.00002; ESP Exome Variant Server 0.00008.

Submissions (4):

Labcorp Genetics (formerly Invitae), Labcorp
Classification: Uncertain significance. Last evaluated: 2025-10-07. Review status: criteria provided, single submitter. Criteria: Invitae Variant Classification Sherloc (09022015). Collection method: clinical testing. Allele origin: germline.
Comment: This sequence change replaces asparagine, which is neutral and polar, with serine, which is neutral and polar, at codon 503 of the TCIRG1 protein (p.Asn503Ser). This variant is present in population databases (rs369803798, gnomAD 0.002%). This variant has not been reported in the literature in individuals affected with TCIRG1-related conditions. ClinVar contains an entry for this variant (Variation ID: 305806). Invitae Evidence Modeling of protein sequence and biophysical properties (such as structural, functional, and spatial information, amino acid conservation, physicochemical variation, residue mobility, and thermodynamic stability) indicates that this missense variant is not expected to disrupt TCIRG1 protein function with a negative predictive value of 80%. In summary, the available evidence is currently insufficient to determine the role of this variant in disease. Therefore, it has been classified as a Variant of Uncertain Significance.

Illumina Laboratory Services, Illumina
Classification: Uncertain significance for Autosomal recessive osteopetrosis 1. Last evaluated: 2018-01-13. Review status: criteria provided, single submitter. Criteria: ICSL Variant Classification Criteria 13 December 2019. Collection method: clinical testing. Allele origin: germline.

Eurofins Ntd Llc (ga)
Classification: Uncertain significance. Last evaluated: 2016-09-30. Review status: criteria provided, single submitter. Criteria: EGL Classification Definitions 2015. Collection method: clinical testing. Allele origin: germline. Observed: 1 variant allele, 1 heterozygote.

Laboratory of Immunopathology and Genetics, Medical Laboratory of Pediatric Oncology and Hematology, Central Clinical Hospital of the Medical University of Lodz
Classification: Uncertain significance for Neutropenia. Last evaluated: 2024-12-01. Review status: no assertion criteria provided. Collection method: clinical testing. Allele origin: germline. Affected: yes. Observed: 1 variant allele. Not counted in ClinVar's aggregate classification.

NM_006019.4(TCIRG1):c.1508A>G (p.Asn503Ser)

Gene: TCIRG1 (T cell immune regulator 1, ATPase H+ transporting V0 subunit a3; plus strand). Cytogenetic location: 11q13.2.
Variant type: single nucleotide variant.
Coding change: c.1508A>G on transcript NM_006019.4 (MANE Select); coding-DNA position 1508, A replaced by G.
Protein change: p.Asn503Ser; replaces asparagine 503 with serine.
Molecular consequence: missense variant.
Genome position (GRCh38, 1-based): chr11:68,047,926, A>G. VCF-style: chr11-68047926-A-G. GRCh37 (hg19) VCF-style: chr11-67815393-A-G.
Other names: c.614A>G, p.Asn205Ser (NM_001351059.2); c.860A>G, p.Asn287Ser (NM_006053.4); short protein forms N503S, N205S, N287S.
Identifiers: ClinVar variation 305806 (VCV000305806.17), dbSNP rs369803798, ClinGen allele CA6147147.
Genomic context (GRCh38, chr11:68,047,926, plus strand): 5'-CCCTGCGTTGCCGCAGTGATGCATTCCTGGCCCAGCACACGATGCTTACCCTGGATCCCA[A>G]CGTCACCGGTGTCTTCCTGGGACCCTACCCCTTTGGCATCGATCCTGTGAGTCCTGGGAT-3'
Protein context (NP_006010.2, residues 493-513): AQHTMLTLDP[Asn503Ser]VTGVFLGPYP